The following is an entry in ClinVar:

NM_001042492.3(NF1):c.6922-12C>T

Gene: NF1 (neurofibromin 1; plus strand). Cytogenetic location: 17q11.2.
Variant type: single nucleotide variant.
Coding change: c.6922-12C>T on transcript NM_001042492.3 (MANE Select); 12 bases into the intron before coding-DNA position 6922, C replaced by T.
Molecular consequence: intron variant.
Genome position (GRCh38, 1-based): chr17:31,340,493, C>T. VCF-style: chr17-31340493-C-T. GRCh37 (hg19) VCF-style: chr17-29667511-C-T.
Other names: c.6859-12C>T (NM_000267.4).
Identifiers: ClinVar variation 4805410 (VCV004805410.2).
Genomic context (GRCh38, chr17:31,340,493, plus strand): 5'-AACTGCAGTGTGTTTTGAAAGAGACTATGTCATGATTCATCTTACTAGCCTCAAACATAT[C>T]TTCTTTGCCAGGACTCGCCTCTGCACAAAGCCCTCTTTTGGGTAGCTGTGGCTGTGCTGC-3'

ClinVar aggregate classification (germline): Likely benign. Review status: criteria provided, multiple submitters, no conflicts (2 of 4 stars). 2 submissions from 2 submitters: Likely benign (2). Last evaluated 2026-05-13.

Conditions:
Neurofibromatosis, type 1 (NF1). Also called: VON RECKLINGHAUSEN DISEASE; NEUROFIBROMATOSIS, TYPE I, SOMATIC; Peripheral type neurofibromatosis; Neurofibromatosis, type I. Identifiers: Orphanet 636, MedGen C0027831, MONDO:0018975, OMIM 162200. Disease mechanism: loss of function.

gnomAD v4.1: 3 of 1,614,154 alleles (0.00019%); highest among the groups gnomAD compares: East Asian, 0.0045%; no homozygotes.

Submissions (2):

Myriad Genetics, Inc.
Classification: Likely benign for Neurofibromatosis, type 1. Last evaluated: 2026-05-13. Review status: criteria provided, single submitter. Criteria: Myriad Autosomal Dominant, Autosomal Recessive and X-Linked Classification Criteria (2023). Collection method: clinical testing. Allele origin: unknown.
Comment: This variant is considered likely benign. This variant is intronic and is not expected to impact mRNA splicing.

Labcorp Genetics (formerly Invitae), Labcorp
Classification: Likely benign for Neurofibromatosis, type 1. Last evaluated: 2025-04-22. Review status: criteria provided, single submitter. Criteria: Invitae Variant Classification Sherloc (09022015). Collection method: clinical testing. Allele origin: germline.